The following is an entry in ClinVar:

NM_001354604.2(MITF):c.1388C>G (p.Thr463Ser)

Gene: MITF (melanocyte inducing transcription factor; plus strand). Cytogenetic location: 3p13.
Variant type: single nucleotide variant.
Coding change: c.1388C>G on transcript NM_001354604.2 (MANE Select); coding-DNA position 1388, C replaced by G.
Protein change: p.Thr463Ser; replaces threonine 463 with serine.
Molecular consequence: missense variant.
Genome position (GRCh38, 1-based): chr3:69,965,055, C>G. VCF-style: chr3-69965055-C-G. GRCh37 (hg19) VCF-style: chr3-70014206-C-G.
Other names: c.1067C>G, p.Thr356Ser (NM_000248.4); c.1214C>G, p.Thr405Ser (NM_001184967.2, NM_001354608.2); c.1385C>G, p.Thr462Ser (NM_001354605.2); c.1367C>G, p.Thr456Ser (NM_001354606.2, NM_006722.3); c.1319C>G, p.Thr440Ser (NM_001354607.2); c.1049C>G, p.Thr350Ser (NM_198158.3); c.1370C>G, p.Thr457Ser (NM_198159.3); c.1322C>G, p.Thr441Ser (NM_198177.3); and 1 more; short protein forms T294S, T350S, T405S, T456S, T457S, T356S, T440S, T463S.
Identifiers: ClinVar variation 2292921 (VCV002292921.5), dbSNP rs560808156, ClinGen allele CA353559742.
Genomic context (GRCh38, chr3:69,965,055, plus strand): 5'-CCTGTACAACAACTCTCGATCTCACGGATGGCACCATCACCTTCAACAACAACCTCGGAA[C>G]TGGGACTGAGGCCAACCAAGCCTATAGTGTCCCCACAAAAATGGGATCCAAACTGGAAGA-3'
Protein context (NP_001341533.1, residues 453-473): GTITFNNNLG[Thr463Ser]GTEANQAYSV

ClinVar aggregate classification (germline): Uncertain significance. Review status: criteria provided, multiple submitters, no conflicts (2 of 4 stars). 2 submissions from 2 submitters: Uncertain significance (2). Last evaluated 2026-01-31.

Conditions:
Hereditary cancer-predisposing syndrome. Also called: Neoplastic Syndromes, Hereditary; Tumor predisposition; Hereditary Cancer Syndrome; Hereditary neoplastic syndrome. Identifiers: Orphanet 140162, MedGen C0027672, MeSH D009386, MONDO:0015356.
Waardenburg syndrome type 2A (WS2A). Also called: WAARDENBURG SYNDROME WITHOUT DYSTOPIA CANTHORUM. Identifiers: Orphanet 3440, MedGen C1860339, MONDO:0008671, OMIM 193510.
Tietz syndrome (TADS). Also called: TIETZ ALBINISM-DEAFNESS SYNDROME; HYPOPIGMENTATION/DEAFNESS OF TIETZ; ALBINISM-DEAFNESS OF TIETZ. Identifiers: Orphanet 42665, MedGen C0391816, MONDO:0007077, OMIM 103500.
Melanoma, cutaneous malignant, susceptibility to, 8. Also called: Cutaneous malignant melanoma 8; MELANOMA AND RENAL CELL CARCINOMA, SUSCEPTIBILITY TO. Identifiers: Orphanet 293822, MedGen C3152204, MONDO:0013759, OMIM 614456.

gnomAD v4.1: 2 of 1,614,034 alleles (0.00012%); highest among the groups gnomAD compares: Non-Finnish European, 0.00017%; no homozygotes.

Submissions (2):

Labcorp Genetics (formerly Invitae), Labcorp
Classification: Uncertain significance for Melanoma, cutaneous malignant, susceptibility to, 8; Waardenburg syndrome type 2A; Tietz syndrome. Last evaluated: 2026-01-31. Review status: criteria provided, single submitter. Criteria: Invitae Variant Classification Sherloc (09022015). Collection method: clinical testing. Allele origin: germline.
Comment: This sequence change replaces threonine, which is neutral and polar, with serine, which is neutral and polar, at codon 356 of the MITF protein (p.Thr356Ser). This variant is present in population databases (no rsID available, gnomAD 0.007%). This variant has not been reported in the literature in individuals affected with MITF-related conditions. ClinVar contains an entry for this variant (Variation ID: 2292921). Invitae Evidence Modeling of protein sequence and biophysical properties (such as structural, functional, and spatial information, amino acid conservation, physicochemical variation, residue mobility, and thermodynamic stability) indicates that this missense variant is not expected to disrupt MITF protein function with a negative predictive value of 80%. In summary, the available evidence is currently insufficient to determine the role of this variant in disease. Therefore, it has been classified as a Variant of Uncertain Significance.

Ambry Genetics
Classification: Uncertain significance for Hereditary cancer-predisposing syndrome. Last evaluated: 2025-01-10. Review status: criteria provided, single submitter. Criteria: Ambry Variant Classification Scheme 2023. Collection method: clinical testing. Allele origin: germline.
Comment: The p.T356S variant (also known as c.1067C>G), located in coding exon 9 of the MITF gene, results from a C to G substitution at nucleotide position 1067. The threonine at codon 356 is replaced by serine, an amino acid with similar properties. This amino acid position is conserved. In addition, this alteration is predicted to be tolerated by in silico analysis. Based on the available evidence, the clinical significance of this variant remains unclear.